The following is an entry in ClinVar:

ClinVar aggregate classification (germline): Uncertain significance. Review status: criteria provided, single submitter (1 of 4 stars). 2 submissions from 2 submitters: Uncertain significance (1). 1 of the submissions does not count toward it. Last evaluated 2021-08-18.

Conditions:
Retinitis pigmentosa 12 (RP12). Also called: RP WITH OR WITHOUT PRESERVED PARAARTERIOLE RETINAL PIGMENT EPITHELIUM; RETINITIS PIGMENTOSA WITH OR WITHOUT PARAARTERIOLAR PRESERVATION OF RETINAL PIGMENT EPITHELIUM; RP WITH OR WITHOUT PPRPE. Identifiers: Orphanet 791, MedGen C1838647, MONDO:0010818, OMIM 600105.
Leber congenital amaurosis 8 (LCA8). Identifiers: Orphanet 65, MedGen C3151202, MONDO:0013453, OMIM 613835.
Retinal dystrophy. Also called: Inherited retinal dystrophy. Identifiers: Orphanet 71862, MedGen C0854723, MeSH D058499, MONDO:0019118, HP:0000556.

Submissions (2):

Labcorp Genetics (formerly Invitae), Labcorp
Classification: Uncertain significance for Leber congenital amaurosis 8; Retinitis pigmentosa 12. Last evaluated: 2021-08-18. Review status: criteria provided, single submitter. Criteria: Invitae Variant Classification Sherloc (09022015). Collection method: clinical testing. Allele origin: germline.
Comment: This variant is not present in population databases (ExAC no frequency). In summary, the available evidence is currently insufficient to determine the role of this variant in disease. Therefore, it has been classified as a Variant of Uncertain Significance. Advanced modeling of protein sequence and biophysical properties (such as structural, functional, and spatial information, amino acid conservation, physicochemical variation, residue mobility, and thermodynamic stability) performed at Invitae indicates that this missense variant is expected to disrupt CRB1 protein function. This missense change has been observed in individual(s) with retinitis pigmentosa (Invitae). This sequence change replaces isoleucine with serine at codon 653 of the CRB1 protein (p.Ile653Ser). The isoleucine residue is highly conserved and there is a large physicochemical difference between isoleucine and serine.

Institute of Human Genetics, Univ. Regensburg, Univ. Regensburg
Classification: Uncertain significance for Retinal dystrophy. Last evaluated: 2020-01-01. Review status: no assertion criteria provided. Criteria: ACMG Guidelines, 2015. Collection method: clinical testing. Allele origin: germline. Affected: yes. Not counted in ClinVar's aggregate classification.

NM_201253.3(CRB1):c.1958T>G (p.Ile653Ser)

Gene: CRB1 (crumbs cell polarity complex component 1; plus strand). Cytogenetic location: 1q31.3.
Variant type: single nucleotide variant.
Coding change: c.1958T>G on transcript NM_201253.3 (MANE Select); coding-DNA position 1958, T replaced by G.
Protein change: p.Ile653Ser; replaces isoleucine 653 with serine.
Molecular consequence: missense variant. On other transcripts: non-coding transcript variant (2).
Genome position (GRCh38, 1-based): chr1:197,421,786, T>G. VCF-style: chr1-197421786-T-G. GRCh37 (hg19) VCF-style: chr1-197390916-T-G.
Other names: c.1622T>G, p.Ile541Ser (NM_001193640.2); c.1751T>G, p.Ile584Ser (NM_001257965.2); c.1958T>G, p.Ile653Ser (NM_001257966.2); short protein forms I584S, I653S, I541S.
Identifiers: ClinVar variation 1375914 (VCV001375914.7), dbSNP rs1336674793, ClinGen allele CA344033097.